The following is an entry in ClinVar:

ClinVar aggregate classification (germline): Conflicting classifications of pathogenicity. Review status: criteria provided, conflicting classifications (1 of 4 stars). 5 submissions from 5 submitters: Pathogenic (2); Likely pathogenic (1); Uncertain significance (1). 1 of the submissions does not count toward it. Last evaluated 2024-03-26.

Conditions:
Thrombocytopenia 4 (THC4). Also called: THROMBOCYTOPENIA, AUTOSOMAL DOMINANT, 4. Identifiers: Orphanet 268322, MedGen C2677608, MONDO:0012775, OMIM 612004.

Submissions (5):

Genomic Medicine Center of Excellence, King Faisal Specialist Hospital and Research Centre
Classification: Likely pathogenic for Thrombocytopenia 4. Last evaluated: 2024-03-26. Review status: criteria provided, single submitter. Criteria: ACMG Guidelines, 2015. Collection method: clinical testing. Allele origin: germline.

Women's Health and Genetics/Laboratory Corporation of America, LabCorp
Classification: Pathogenic for Thrombocytopenia 4. Last evaluated: 2024-03-05. Review status: criteria provided, single submitter. Criteria: LabCorp Variant Classification Summary - May 2015. Collection method: clinical testing. Allele origin: germline.
Comment: Variant summary: CYCS c.79C>T (p.His27Tyr) results in a conservative amino acid change located in the Cytochrome c-like domain (IPR009056) of the encoded protein sequence. Four of five in-silico tools predict a damaging effect of the variant on protein function. The variant was absent in 251314 control chromosomes. c.79C>T has been reported in the literature in multiple individuals from a large family affected with Thrombocytopenia and co-segregated with disease (Che_2021). These data indicate that the variant is very likely to be associated with disease. To our knowledge, no experimental evidence demonstrating an impact on protein function has been reported. The following publication have been ascertained in the context of this evaluation (PMID: 35126455). ClinVar contains an entry for this variant (Variation ID: 1210164). Based on the evidence outlined above, the variant was classified as pathogenic.

Labcorp Genetics (formerly Invitae), Labcorp
Classification: Pathogenic. Last evaluated: 2023-03-03. Review status: criteria provided, single submitter. Criteria: Invitae Variant Classification Sherloc (09022015). Collection method: clinical testing. Allele origin: germline.
Comment: This variant is not present in population databases (gnomAD no frequency). This missense change has been observed in individual(s) with familial thrombocytopenia (PMID: 35126455). It has also been observed to segregate with disease in related individuals. This sequence change replaces histidine, which is basic and polar, with tyrosine, which is neutral and polar, at codon 27 of the CYCS protein (p.His27Tyr). For these reasons, this variant has been classified as Pathogenic. ClinVar contains an entry for this variant (Variation ID: 1210164). An algorithm developed to predict the effect of missense changes on protein structure and function (PolyPhen-2) suggests that this variant is likely to be disruptive.

Blueprint Genetics
Classification: Uncertain significance. Last evaluated: 2021-05-25. Review status: criteria provided, single submitter. Criteria: ACMG Guidelines, 2015. Collection method: clinical testing. Allele origin: germline.

Shaanxi Institute for Pediatric Diseases, Xi'an Children's Hospital
Classification: Uncertain significance for Thrombocytopenia 4. Last evaluated: 2021-08-24. Review status: no assertion criteria provided. Collection method: clinical testing. Allele origin: maternal. Inheritance: Autosomal dominant inheritance. Affected: yes. Observed: 8 variant alleles, 8 heterozygotes. Not counted in ClinVar's aggregate classification.
Comment: We described a 3-generation pedigree in which 8 individuals had thrombocytopenia. Affected individuals had platelet counts ranging from 38 to 110Ã—109/L with a reference interval of 100 to 300Ã—109/L. The mean platelet volumes and morphology were normal. Clinical features of thrombocytopenia were mild. None of the individuals had bleeding abnormalities or mitochondriopathies. A novel heterozygous missense variant c.79C>T(p.His27Tyr) of CYCS gene was identified in this family and segregated with autosomal dominant thrombocytopenia.

Literature cited by the submitters: PubMed 35126455 (cited by Women's Health and Genetics/Laboratory Corporation of America, LabCorp and Labcorp Genetics (formerly Invitae), Labcorp).

NM_018947.6(CYCS):c.79C>T (p.His27Tyr)

Gene: CYCS (cytochrome c, somatic; minus strand). Cytogenetic location: 7p15.3.
Variant type: single nucleotide variant.
Coding change: c.79C>T on transcript NM_018947.6 (MANE Select); coding-DNA position 79, C replaced by T.
Protein change: p.His27Tyr; replaces histidine 27 with tyrosine.
Molecular consequence: missense variant.
Genome position (GRCh38, 1-based): chr7:25,124,041, G>A on the plus strand (C>T on the coding strand, the complement: CYCS is on the minus strand). VCF-style: chr7-25124041-G-A. GRCh37 (hg19) VCF-style: chr7-25163660-G-A.
Other names: short protein forms H27Y.
Identifiers: ClinVar variation 1210164 (VCV001210164.11), dbSNP rs1783403912, ClinGen allele CA367060475.